The following is an entry in ClinVar:

ClinVar aggregate classification (germline): Conflicting classifications of pathogenicity. Review status: criteria provided, conflicting classifications (1 of 4 stars). 3 submissions from 3 submitters: Uncertain significance (1); Likely benign (1). 1 of the submissions does not count toward it. Last evaluated 2025-07-09.

Conditions:
HSPB1-related disorder. Also called: HSPB1-related disorders; HSPB1-related condition.
Inborn genetic diseases. Identifiers: MedGen C0950123, MeSH D030342.
Charcot-Marie-Tooth disease axonal type 2F (CMT2F). Also called: Charcot-Marie-Tooth Neuropathy Type 2F; CHARCOT-MARIE-TOOTH DISEASE, NEURONAL, TYPE 2F. Identifiers: Orphanet 99940, MedGen C1847823, MONDO:0011687, OMIM 606595.

Submissions (3):

Labcorp Genetics (formerly Invitae), Labcorp
Classification: Uncertain significance for Charcot-Marie-Tooth disease axonal type 2F. Last evaluated: 2025-07-09. Review status: criteria provided, single submitter. Criteria: Invitae Variant Classification Sherloc (09022015). Collection method: clinical testing. Allele origin: germline.
Comment: This sequence change falls in intron 1 of the HSPB1 gene. It does not directly change the encoded amino acid sequence of the HSPB1 protein. It affects a nucleotide within the consensus splice site. The frequency data for this variant in the population databases is considered unreliable, as metrics indicate poor data quality at this position in the gnomAD database. This variant has not been reported in the literature in individuals affected with HSPB1-related conditions. ClinVar contains an entry for this variant (Variation ID: 1733511). Variants that disrupt the consensus splice site are a relatively common cause of aberrant splicing (PMID: 17576681, 9536098). Algorithms developed to predict the effect of sequence changes on RNA splicing suggest that this variant is not likely to affect RNA splicing. In summary, the available evidence is currently insufficient to determine the role of this variant in disease. Therefore, it has been classified as a Variant of Uncertain Significance.

Ambry Genetics
Classification: Likely benign for Inborn genetic diseases. Last evaluated: 2019-11-11. Review status: criteria provided, single submitter. Criteria: Ambry Variant Classification Scheme 2023. Collection method: clinical testing. Allele origin: germline.

PreventionGenetics, part of Exact Sciences
Classification: Likely benign for HSPB1-related condition. Last evaluated: 2019-02-22. Review status: no assertion criteria provided. Collection method: clinical testing. Allele origin: germline. Not counted in ClinVar's aggregate classification.
Comment: This variant is classified as likely benign based on ACMG/AMP sequence variant interpretation guidelines (Richards et al. 2015 PMID: 25741868, with internal and published modifications).

Literature cited by the submitters: PubMed 17576681 (cited by Labcorp Genetics (formerly Invitae), Labcorp); PubMed 9536098 (cited by Labcorp Genetics (formerly Invitae), Labcorp).

NM_001540.5(HSPB1):c.364+6C>T

Gene: HSPB1 (heat shock protein family B (small) member 1; plus strand). Cytogenetic location: 7q11.23.
Variant type: single nucleotide variant.
Coding change: c.364+6C>T on transcript NM_001540.5 (MANE Select); 6 bases into the intron after coding-DNA position 364, C replaced by T.
Molecular consequence: intron variant.
Genome position (GRCh38, 1-based): chr7:76,303,082, C>T. VCF-style: chr7-76303082-C-T. GRCh37 (hg19) VCF-style: chr7-75932399-C-T.
Identifiers: ClinVar variation 1733511 (VCV001733511.4), dbSNP rs753061670, ClinGen allele CA575786752.